The following is an entry in ClinVar:

NM_002373.6(MAP1A):c.2318A>G (p.Tyr773Cys)

Gene: MAP1A (microtubule associated protein 1A; plus strand). Cytogenetic location: 15q15.3.
Variant type: single nucleotide variant.
Coding change: c.2318A>G on transcript NM_002373.6 (MANE Select); coding-DNA position 2318, A replaced by G.
Protein change: p.Tyr773Cys; replaces tyrosine 773 with cysteine.
Molecular consequence: missense variant.
Genome position (GRCh38, 1-based): chr15:43,523,791, A>G. VCF-style: chr15-43523791-A-G. GRCh37 (hg19) VCF-style: chr15-43815989-A-G.
Other names: c.3032A>G, p.Tyr1011Cys (NM_001411089.1); short protein forms Y1011C, Y773C.
Identifiers: ClinVar variation 3038052 (VCV003038052.2), dbSNP rs201611179, ClinGen allele CA7526224.

ClinVar aggregate classification (germline): Likely benign (0 of 4 stars; one submission).

Conditions:
MAP1A-related disorder. Also called: MAP1A-related condition.

Allele frequency attached by ClinVar (database versions not stated): gnomAD exomes 0.00004; gnomAD 0.00005; TOPMed 0.00006; ExAC 0.00013; 1000 Genomes Project 30x 0.00016; 1000 Genomes Project 0.00020.
gnomAD v4.1: 65 of 1,614,056 alleles (0.004%); highest among the groups gnomAD compares: East Asian, 0.14%; no homozygotes.

Submission:

PreventionGenetics, part of Exact Sciences
Classification: Likely benign for MAP1A-related condition. Last evaluated: 2023-02-15. Review status: no assertion criteria provided. Collection method: clinical testing. Allele origin: germline.
Comment: This variant is classified as likely benign based on ACMG/AMP sequence variant interpretation guidelines (Richards et al. 2015 PMID: 25741868, with internal and published modifications).